The following is an entry in ClinVar:

NM_138691.3(TMC1):c.945G>A (p.Trp315Ter)

Gene: TMC1 (transmembrane channel like 1; plus strand). Cytogenetic location: 9q21.13.
Variant type: single nucleotide variant.
Coding change: c.945G>A on transcript NM_138691.3 (MANE Select); coding-DNA position 945, G replaced by A.
Protein change: p.Trp315Ter; replaces tryptophan 315 with a stop codon.
Molecular consequence: nonsense.
Genome position (GRCh38, 1-based): chr9:72,788,399, G>A. VCF-style: chr9-72788399-G-A. GRCh37 (hg19) VCF-style: chr9-75403315-G-A.
Other names: short protein forms W315*.
Identifiers: ClinVar variation 560916 (VCV000560916.2), dbSNP rs1564554255, ClinGen allele CA373504489.
Genomic context (GRCh38, chr9:72,788,399, plus strand): 5'-AATGACCAAAAACATTGGTGATGATGGAGGTGGAGATGACAACACTTTCAATTTCAGCTG[G>A]AAGGTCTTTACCAGCTGGGACTACCTGATCGGCAATCCTGAAACAGCAGACAACAAATTT-3'

ClinVar aggregate classification (germline): Pathogenic/Likely pathogenic. Review status: no assertion criteria provided (0 of 4 stars). 2 submissions from 2 submitters: Pathogenic (1); Likely pathogenic (1). Last evaluated 2018-09-10.

Conditions:
Hearing loss, autosomal recessive. Also called: Rare autosomal recessive non-syndromic sensorineural deafness type DFNB; Nonsyndromic Hearing Loss, Recessive; Deafness, autosomal recessive; Autosomal recessive nonsyndromic deafness. Identifiers: Orphanet 90635, Orphanet 90636, MedGen C1846647, MONDO:0019588, OMIM 607197.
Deafness. Identifiers: MedGen C0011053, HP:0000365.

Submissions (2):

Center for Statistical Genetics, Columbia University
Classification: Pathogenic for Deafness. Last evaluated: 2018-09-10. Review status: no assertion criteria provided. Collection method: research. Allele origin: inherited. Affected: yes.
Comment: Autosomal recessive

University of Washington Center for Mendelian Genomics, University of Washington
Classification: Likely pathogenic for non-syndromic autosomal recessive hearing loss. Review status: no assertion criteria provided. Collection method: research. Allele origin: inherited. Affected: yes.

Literature cited by the submitters: PubMed 30303587 (cited by University of Washington Center for Mendelian Genomics, University of Washington).